The following is an entry in ClinVar:

ClinVar aggregate classification (germline): Uncertain significance (1 of 4 stars; one submission).

Allele frequency attached by ClinVar (database versions not stated): TOPMed 0.00001.
gnomAD v4.1: 30 of 1,611,384 alleles (0.0019%); highest among the groups gnomAD compares: Non-Finnish European, 0.0025%; no homozygotes.

Submission:

Labcorp Genetics (formerly Invitae), Labcorp
Classification: Uncertain significance. Last evaluated: 2025-06-04. Review status: criteria provided, single submitter. Criteria: Invitae Variant Classification Sherloc (09022015). Collection method: clinical testing. Allele origin: germline.
Comment: This sequence change replaces isoleucine, which is neutral and non-polar, with lysine, which is basic and polar, at codon 262 of the DDX58 protein (p.Ile262Lys). This variant is not present in population databases (gnomAD no frequency). This variant has not been reported in the literature in individuals affected with DDX58-related conditions. ClinVar contains an entry for this variant (Variation ID: 1946029). Invitae Evidence Modeling of protein sequence and biophysical properties (such as structural, functional, and spatial information, amino acid conservation, physicochemical variation, residue mobility, and thermodynamic stability) indicates that this missense variant is expected to disrupt DDX58 protein function with a positive predictive value of 80%. In summary, the available evidence is currently insufficient to determine the role of this variant in disease. Therefore, it has been classified as a Variant of Uncertain Significance.

NM_014314.4(RIGI):c.785T>A (p.Ile262Lys)

Gene: RIGI (RNA sensor RIG-I; minus strand). Cytogenetic location: 9p21.1.
Variant type: single nucleotide variant.
Coding change: c.785T>A on transcript NM_014314.4 (MANE Select); coding-DNA position 785, T replaced by A.
Protein change: p.Ile262Lys; replaces isoleucine 262 with lysine.
Molecular consequence: missense variant.
Genome position (GRCh38, 1-based): chr9:32,489,358, A>T on the plus strand (T>A on the coding strand, the complement: RIGI is on the minus strand). VCF-style: chr9-32489358-A-T. GRCh37 (hg19) VCF-style: chr9-32489356-A-T.
Other names: c.785T>A, p.Ile262Lys (NM_001385907.1, NM_001385909.1); c.344T>A, p.Ile115Lys (NM_001385910.1); c.176T>A, p.Ile59Lys (NM_001385912.1); c.770T>A, p.Ile257Lys (NM_001385913.1); c.341T>A, p.Ile114Lys (NM_001385914.1); short protein forms I257K, I59K, I114K, I115K, I262K.
Identifiers: ClinVar variation 1946029 (VCV001946029.5), dbSNP rs1481918980, ClinGen allele CA373158898.